The following is an entry in ClinVar:

NM_000313.4(PROS1):c.799T>C (p.Cys267Arg)

Gene: PROS1 (protein S; minus strand). Cytogenetic location: 3q11.1.
Variant type: single nucleotide variant.
Coding change: c.799T>C on transcript NM_000313.4 (MANE Select); coding-DNA position 799, T replaced by C.
Protein change: p.Cys267Arg; replaces cysteine 267 with arginine.
Molecular consequence: missense variant.
Genome position (GRCh38, 1-based): chr3:93,898,498, A>G on the plus strand (T>C on the coding strand, the complement: PROS1 is on the minus strand). VCF-style: chr3-93898498-A-G. GRCh37 (hg19) VCF-style: chr3-93617342-A-G.
Other names: c.895T>C, p.Cys299Arg (NM_001314077.2); short protein forms C267R, C299R.
Identifiers: ClinVar variation 2734550 (VCV002734550.3), dbSNP rs2472132313, ClinGen allele CA353672883.

ClinVar aggregate classification (germline): Uncertain significance (1 of 4 stars; one submission).

Conditions:
Thrombophilia due to protein S deficiency, autosomal recessive (THPH6). Identifiers: Orphanet 743, MedGen C3281092, MONDO:0013791, OMIM 614514. Disease mechanism: loss of function.

Submission:

Labcorp Genetics (formerly Invitae), Labcorp
Classification: Uncertain significance for Thrombophilia due to protein S deficiency, autosomal recessive. Last evaluated: 2023-01-26. Review status: criteria provided, single submitter. Criteria: Invitae Variant Classification Sherloc (09022015). Collection method: clinical testing. Allele origin: germline.
Comment: In summary, the available evidence is currently insufficient to determine the role of this variant in disease. Therefore, it has been classified as a Variant of Uncertain Significance. Advanced modeling of protein sequence and biophysical properties (such as structural, functional, and spatial information, amino acid conservation, physicochemical variation, residue mobility, and thermodynamic stability) performed at Invitae indicates that this missense variant is expected to disrupt PROS1 protein function. This variant has not been reported in the literature in individuals affected with PROS1-related conditions. This variant is not present in population databases (gnomAD no frequency). This sequence change replaces cysteine, which is neutral and slightly polar, with arginine, which is basic and polar, at codon 267 of the PROS1 protein (p.Cys267Arg).